The following is an entry in ClinVar:

ClinVar aggregate classification (germline): Pathogenic (1 of 4 stars; one submission).

Submission:

Labcorp Genetics (formerly Invitae), Labcorp
Classification: Pathogenic. Last evaluated: 2025-03-04. Review status: criteria provided, single submitter. Criteria: Invitae Variant Classification Sherloc (09022015). Collection method: clinical testing. Allele origin: germline.
Comment: This sequence change creates a premature translational stop signal (p.Trp94*) in the SLC4A1 gene. It is expected to result in an absent or disrupted protein product. Loss-of-function variants in SLC4A1 are known to be pathogenic (PMID: 8943874, 10926824, 23255290). This variant is not present in population databases (gnomAD no frequency). This premature translational stop signal has been observed in individual(s) with hereditary spherocytosis (PMID: 36324358). For these reasons, this variant has been classified as Pathogenic.

Literature cited by the submitters: PubMed 8943874; PubMed 10926824; PubMed 23255290; PubMed 36324358.

NM_000342.4(SLC4A1):c.282G>A (p.Trp94Ter)

Gene: SLC4A1 (solute carrier family 4 member 1 (Diego blood group); minus strand). Cytogenetic location: 17q21.31.
Variant type: single nucleotide variant.
Coding change: c.282G>A on transcript NM_000342.4 (MANE Select); coding-DNA position 282, G replaced by A.
Protein change: p.Trp94Ter; replaces tryptophan 94 with a stop codon.
Molecular consequence: nonsense.
Genome position (GRCh38, 1-based): chr17:44,260,702, C>T on the plus strand (G>A on the coding strand, the complement: SLC4A1 is on the minus strand). VCF-style: chr17-44260702-C-T. GRCh37 (hg19) VCF-style: chr17-42338070-C-T.
Other names: short protein forms W94*.
Identifiers: ClinVar variation 4714268 (VCV004714268.1).